The following is an entry in ClinVar:

NM_019892.6(INPP5E):c.335C>G (p.Ser112Cys)

Gene: INPP5E (inositol polyphosphate-5-phosphatase E; minus strand). Cytogenetic location: 9q34.3.
Variant type: single nucleotide variant.
Coding change: c.335C>G on transcript NM_019892.6 (MANE Select); coding-DNA position 335, C replaced by G.
Protein change: p.Ser112Cys; replaces serine 112 with cysteine.
Molecular consequence: missense variant.
Genome position (GRCh38, 1-based): chr9:136,439,085, G>C on the plus strand (C>G on the coding strand, the complement: INPP5E is on the minus strand). VCF-style: chr9-136439085-G-C. GRCh37 (hg19) VCF-style: chr9-139333537-G-C.
Other names: c.335C>G, p.Ser112Cys (NM_001318502.2); short protein forms S112C.
Identifiers: ClinVar variation 967756 (VCV000967756.10), dbSNP rs1295932398, ClinGen allele CA375569688.

ClinVar aggregate classification (germline): Uncertain significance (1 of 4 stars; one submission).

Conditions:
Joubert syndrome. Also called: Familial aplasia of the vermis; CEREBELLOPARENCHYMAL DISORDER IV; JOUBERT-BOLTSHAUSER SYNDROME. Identifiers: Orphanet 475, MedGen C5979921, MONDO:0018772.

gnomAD v4.1: 1 of 1,575,192 alleles (0.000063%); highest among the groups gnomAD compares: Non-Finnish European, 0.000086%; no homozygotes.

Submission:

Labcorp Genetics (formerly Invitae), Labcorp
Classification: Uncertain significance for Joubert syndrome. Last evaluated: 2019-11-06. Review status: criteria provided, single submitter. Criteria: Invitae Variant Classification Sherloc (09022015). Collection method: clinical testing. Allele origin: germline.
Comment: This sequence change replaces serine with cysteine at codon 112 of the INPP5E protein (p.Ser112Cys). The serine residue is moderately conserved and there is a moderate physicochemical difference between serine and cysteine. In summary, the available evidence is currently insufficient to determine the role of this variant in disease. Therefore, it has been classified as a Variant of Uncertain Significance. Algorithms developed to predict the effect of missense changes on protein structure and function output the following: SIFT: "Tolerated"; PolyPhen-2: "Benign"; Align-GVGD: "Class C0". The cysteine amino acid residue is found in multiple mammalian species, suggesting that this missense change does not adversely affect protein function. These predictions have not been confirmed by published functional studies and their clinical significance is uncertain. This variant has not been reported in the literature in individuals with INPP5E-related conditions. The frequency data for this variant in the population databases is considered unreliable, as metrics indicate insufficient coverage at this position in the ExAC database.